The following is an entry in ClinVar:

NM_006147.4(IRF6):c.1193T>G (p.Val398Gly)

Gene: IRF6 (interferon regulatory factor 6; minus strand). Cytogenetic location: 1q32.2.
Variant type: single nucleotide variant.
Coding change: c.1193T>G on transcript NM_006147.4 (MANE Select); coding-DNA position 1193, T replaced by G.
Protein change: p.Val398Gly; replaces valine 398 with glycine.
Molecular consequence: missense variant.
Genome position (GRCh38, 1-based): chr1:209,788,631, A>C on the plus strand (T>G on the coding strand, the complement: IRF6 is on the minus strand). VCF-style: chr1-209788631-A-C. GRCh37 (hg19) VCF-style: chr1-209961976-A-C.
Other names: c.908T>G, p.Val303Gly (NM_001206696.2); short protein forms V303G, V398G.
Identifiers: ClinVar variation 5019991 (VCV005019991.1).

ClinVar aggregate classification (germline): Uncertain significance (1 of 4 stars; one submission).

Conditions:
Orofacial cleft 6, susceptibility to (OFC6). Also called: CLEFT LIP WITH OR WITHOUT CLEFT PALATE, NONSYNDROMIC, 6. Identifiers: MedGen C1837213, MONDO:0012141, OMIM 608864.
Van der Woude syndrome 1. Also called: van der Woude Syndrome (VWS); CLEFT LIP AND/OR PALATE WITH MUCOUS CYSTS OF LOWER LIP. Identifiers: MedGen C4551864, MONDO:0007333, OMIM 119300.
Autosomal dominant popliteal pterygium syndrome. Also called: Popliteal Pterygium Syndrome (PPS); CLEFT LIP/PALATE, PARAMEDIAN MUCOUS CYSTS OF THE LOWER LIP, POPLITEAL PTERYGIUM, DIGITAL AND GENITAL ANOMALIES; FACIOGENITOPOPLITEAL SYNDROME. Identifiers: Orphanet 1300, MedGen C5848052, MONDO:0007334, OMIM 119500.

Submission:

Juno Genomics, Hangzhou Juno Genomics, Inc
Classification: Uncertain significance for Van der Woude syndrome 1; Orofacial cleft 6, susceptibility to; Autosomal dominant popliteal pterygium syndrome. Review status: criteria provided, single submitter. Criteria: ACMG Guidelines, 2015. Collection method: clinical testing. Allele origin: germline. Affected: yes.
Comment: Absent from controls (or at extremely low frequency if recessive) in Genome Aggregation Database.;Multiple lines of computational evidence support a deleterious effect on the gene or gene product.;Missense variant in a gene that has a low rate of benign missense variation.